The following is an entry in ClinVar:

ClinVar aggregate classification (germline): Uncertain significance (1 of 4 stars; one submission).

Conditions:
Shprintzen-Goldberg syndrome (SGS). Also called: CRANIOSYNOSTOSIS WITH ARACHNODACTYLY AND ABDOMINAL HERNIAS; Marfanoid disorder with craniosynostosis type 1; Marfanoid craniosynostosis syndrome; Shprintzen-Goldberg marfanoid syndrome; SHPRINTZEN-GOLDBERG CRANIOSYNOSTOSIS SYNDROME. Identifiers: Orphanet 2462, MedGen C1321551, MONDO:0008426, OMIM 182212.

Allele frequency attached by ClinVar (database versions not stated): TOPMed 0.00001; ESP Exome Variant Server 0.00008; gnomAD exomes below 0.00001; ExAC 0.00001.
gnomAD v4.1: 21 of 1,613,320 alleles (0.0013%); highest among the groups gnomAD compares: Non-Finnish European, 0.0018%; no homozygotes.

Submission:

Labcorp Genetics (formerly Invitae), Labcorp
Classification: Uncertain significance for Shprintzen-Goldberg syndrome. Last evaluated: 2025-10-14. Review status: criteria provided, single submitter. Criteria: Invitae Variant Classification Sherloc (09022015). Collection method: clinical testing. Allele origin: germline.
Comment: This sequence change replaces leucine, which is neutral and non-polar, with phenylalanine, which is neutral and non-polar, at codon 397 of the SKI protein (p.Leu397Phe). This variant is present in population databases (rs371268096, gnomAD 0.0009%). This variant has not been reported in the literature in individuals affected with SKI-related conditions. ClinVar contains an entry for this variant (Variation ID: 463394). Invitae Evidence Modeling of protein sequence and biophysical properties (such as structural, functional, and spatial information, amino acid conservation, physicochemical variation, residue mobility, and thermodynamic stability) indicates that this missense variant is not expected to disrupt SKI protein function with a negative predictive value of 95%. In summary, the available evidence is currently insufficient to determine the role of this variant in disease. Therefore, it has been classified as a Variant of Uncertain Significance.

NM_003036.4(SKI):c.1189C>T (p.Leu397Phe)

Gene: SKI (SKI proto-oncogene; plus strand). Cytogenetic location: 1p36.32.
Variant type: single nucleotide variant.
Coding change: c.1189C>T on transcript NM_003036.4 (MANE Select); coding-DNA position 1189, C replaced by T.
Protein change: p.Leu397Phe; replaces leucine 397 with phenylalanine.
Molecular consequence: missense variant.
Genome position (GRCh38, 1-based): chr1:2,303,378, C>T. VCF-style: chr1-2303378-C-T. GRCh37 (hg19) VCF-style: chr1-2234817-C-T.
Other names: short protein forms L397F.
Identifiers: ClinVar variation 463394 (VCV000463394.8), dbSNP rs371268096, ClinGen allele CA536609.
Genomic context (GRCh38, chr1:2,303,378, plus strand): 5'-TCTGCTTTCCGACCCTGGTCCCCCGCAGTGTCAGCGAGTGAGAAAGAGCTCTCCCCACAC[C>T]TCCCGGCCCTCATCCGAGACAGGTGAGTGGGCGCCATTCACAGGTGTTTCTGATCACGGG-3'
Protein context (NP_003027.1, residues 387-407): SASEKELSPH[Leu397Phe]PALIRDSFYS